The following is an entry in ClinVar:

NM_000329.3(RPE65):c.1129-2A>G

Gene: RPE65 (retinoid isomerohydrolase RPE65; minus strand). Cytogenetic location: 1p31.3.
Variant type: single nucleotide variant.
Coding change: c.1129-2A>G on transcript NM_000329.3 (MANE Select); the canonical splice acceptor site of the intron before coding-DNA position 1129, A replaced by G.
Molecular consequence: splice acceptor variant.
Genome position (GRCh38, 1-based): chr1:68,431,587, T>C on the plus strand (A>G on the coding strand, the complement: RPE65 is on the minus strand). VCF-style: chr1-68431587-T-C. GRCh37 (hg19) VCF-style: chr1-68897270-T-C.
Other names: P.(=); c.853-2A>G (NM_001406857.1, NM_001406856.1); c.1021-2A>G (NM_001406853.1).
Identifiers: ClinVar variation 978979 (VCV000978979.2), dbSNP rs1645826941, ClinGen allele CA340743482.
Genomic context (GRCh38, chr1:68,431,587, plus strand): 5'-CACAGAATTGCAGTGGCAGTTGTATTGGGGAGCGTGACTAAATTCTTGCCTGTGTCAGCC[T>C]AGGAGAGAAGATAACAGAAACCTCAGTGAGCAGGAAAGAATTCAAACAGCCAGAAATGCA-3'

ClinVar aggregate classification (germline): Pathogenic. Review status: reviewed by expert panel (3 of 4 stars). 2 submissions from 2 submitters: Pathogenic (1). 1 of the submissions does not count toward it. Last evaluated 2024-12-12.

Conditions:
Autosomal recessive retinitis pigmentosa. Identifiers: MedGen C0339526.
RPE65-related recessive retinopathy. Also called: Recessive RPE65 retinopathy. Identifiers: MedGen CN305526, MONDO:0100368.

Submissions (2):

ClinGen Leber Congenital Amaurosis/early Onset Retinal Dystrophy Variant Curation Expert Panel, ClinGen
Classification: Pathogenic for RPE65-related recessive retinopathy. Last evaluated: 2024-12-12. Review status: reviewed by expert panel. Criteria: ClinGen LCAeoRD ACMG Specifications RPE65 V1.0.0. Collection method: curation. Allele origin: germline. Inheritance: Autosomal recessive inheritance.
Comment: The NM_000329.3(RPE65):c.1129-2A>G variant disrupts a canonical splice site in intron 10 and is predicted to lead to skipping of a critical exon in which missense variants have previously been established as a mechanism of disease (PVS1). At least one proband harboring this variant exhibits a phenotype including diagnosis of eoRD which was present from birth (1.0 pt), poor visual acuity (1 pt), diffuse retinal atrophy with pigmented clumps (0.5 pts) and no other likely cause of disease found after whole exome sequencing (2 pts), which together are specific for RPE65-related recessive retinopathy (total 4.5 points, PMID: 27874104, PP4). This variant is absent from gnomAD v4.1.0 (PM2_Supporting) and has been reported in at least 1 proband with early-onset severe retinal dystrophy who was homozygous for the variant (0.5 points, PMID: 27874104). In summary, this variant meets the criteria to be classified as Pathogenic for RPE65-related recessive retinopathy based on the ACMG/AMP criteria applied, as specified by the ClinGen LCA/eoRD VCEP: PVS1, PM3_Supporting, PP4, PM2_Supporting. (VCEP specifications version 1.0.0; date of approval 09/21/2023).

Faculty of Health Sciences, Beirut Arab University
Classification: Pathogenic for Autosomal recessive Retinitis Pigmentosa. Last evaluated: 2016-11-22. Review status: no assertion criteria provided. Collection method: literature only. Allele origin: germline. Affected: yes. Observed: 2 variant alleles. Not counted in ClinVar's aggregate classification.

Literature cited by the submitters: PubMed 27874104 (cited by Faculty of Health Sciences, Beirut Arab University).